The following is an entry in ClinVar:

NM_014159.7(SETD2):c.2910G>A (p.Leu970=)

Gene: SETD2 (SET domain containing 2, histone lysine methyltransferase; minus strand). Cytogenetic location: 3p21.31.
Variant type: single nucleotide variant.
Coding change: c.2910G>A on transcript NM_014159.7 (MANE Select); coding-DNA position 2910, G replaced by A.
Protein change: p.Leu970=; no amino-acid change (leucine 970 retained).
Molecular consequence: synonymous variant. On other transcripts: non-coding transcript variant (1).
Genome position (GRCh38, 1-based): chr3:47,121,726, C>T on the plus strand (G>A on the coding strand, the complement: SETD2 is on the minus strand). VCF-style: chr3-47121726-C-T. GRCh37 (hg19) VCF-style: chr3-47163216-C-T.
Other names: c.2778G>A, p.Leu926= (NM_001349370.3).
Identifiers: ClinVar variation 4996422 (VCV004996422.1).
Genomic context (GRCh38, chr3:47,121,726, plus strand): 5'-CACATGTCCTCCTTCTCCTCTTTCATCTAAAGAGATTTCTGGTCTTCCTCTTCTTTCAGG[C>T]AATATGGAATTCCCTTCTTCTTGAGCCTCTTGCAAACATTTCCCAGATAACCCATTATTA-3'
Protein context (NP_054878.5, residues 960-980): QEAQEEGNSI[Leu970=]PERRGRPEIS

ClinVar aggregate classification (germline): Likely benign (1 of 4 stars; one submission).

Conditions:
SETD2-related disorder.

gnomAD v4.1: 1 of 1,614,104 alleles (0.000062%); highest among the groups gnomAD compares: Non-Finnish European, 0.000085%; no homozygotes.

Submission:

PreventionGenetics, part of Exact Sciences
Classification: Likely benign for SETD2-related condition. Last evaluated: 2026-04-13. Review status: criteria provided, single submitter. Criteria: ACMG Guidelines, 2015. Collection method: clinical testing. Allele origin: germline.
Comment: This variant is classified as likely benign based on ACMG/AMP sequence variant interpretation guidelines (Richards et al. 2015 PMID: 25741868, with internal and published modifications).